The following is an entry in ClinVar:

ClinVar aggregate classification (germline): Likely benign. Review status: criteria provided, single submitter (1 of 4 stars). 2 submissions from 2 submitters: Likely benign (1). 1 of the submissions does not count toward it. Last evaluated 2018-12-24.

Conditions:
ABCG5-related disorder. Also called: ABCG5-related condition.
Sitosterolemia (STSL). Also called: PHYTOSTEROLEMIA. Identifiers: Orphanet 2882, MedGen C0342907, MONDO:0008863.

gnomAD v4.1: 6 of 1,614,098 alleles (0.00037%); highest among the groups gnomAD compares: Admixed American, 0.0067%; no homozygotes.

Submissions (2):

Labcorp Genetics (formerly Invitae), Labcorp
Classification: Likely benign for Sitosterolemia. Last evaluated: 2018-12-24. Review status: criteria provided, single submitter. Criteria: Invitae Variant Classification Sherloc (09022015). Collection method: clinical testing. Allele origin: germline.

PreventionGenetics, part of Exact Sciences
Classification: Likely benign for ABCG5-related condition. Last evaluated: 2024-06-18. Review status: no assertion criteria provided. Collection method: clinical testing. Allele origin: germline. Not counted in ClinVar's aggregate classification.
Comment: This variant is classified as likely benign based on ACMG/AMP sequence variant interpretation guidelines (Richards et al. 2015 PMID: 25741868, with internal and published modifications).

NM_022436.3(ABCG5):c.1128A>G (p.Thr376=)

Genes: ABCG5 (ATP binding cassette subfamily G member 5; minus strand), DYNC2LI1 (dynein cytoplasmic 2 light intermediate chain 1; plus strand). Cytogenetic location: 2p21.
Variant type: single nucleotide variant.
Coding change: c.1128A>G on transcript NM_022436.3 (MANE Select); coding-DNA position 1128, A replaced by G.
Protein change: p.Thr376=; no amino-acid change (threonine 376 retained).
Molecular consequence: synonymous variant. On other transcripts: intron variant (2).
Genome position (GRCh38, 1-based): chr2:43,824,109, T>C on the plus strand (A>G on the coding strand, the complement: ABCG5 is on the minus strand). VCF-style: chr2-43824109-T-C. GRCh37 (hg19) VCF-style: chr2-44051248-T-C.
Other names: c.*16-3277T>C (NM_001348913.2, NM_001348912.2).
Identifiers: ClinVar variation 799358 (VCV000799358.9), dbSNP rs781466225, ClinGen allele CA1636386.
Genomic context (GRCh38, chr2:43,824,109, plus strand): 5'-CATGATCAGATTCTGAAGGAGACGCGTAATCACTGCCAGCTTATTTCTCACCAAGTTTCT[T>C]GTCACTCTCCTGAAAACAAACAACCCTGTTTTAATTCCTTTTCAGAATTGTTATTGGGGG-3'
Protein context (NP_071881.1, residues 366-386): SKLGVLLRRV[Thr376=]RNLVRNKLAV